The following is an entry in ClinVar:

NM_002691.4(POLD1):c.574C>A (p.Leu192Met)

Gene: POLD1 (DNA polymerase delta 1, catalytic subunit; plus strand). Cytogenetic location: 19q13.33.
Variant type: single nucleotide variant.
Coding change: c.574C>A on transcript NM_002691.4 (MANE Select); coding-DNA position 574, C replaced by A.
Protein change: p.Leu192Met; replaces leucine 192 with methionine.
Molecular consequence: missense variant. On other transcripts: non-coding transcript variant (1).
Genome position (GRCh38, 1-based): chr19:50,402,109, C>A. VCF-style: chr19-50402109-C-A. GRCh37 (hg19) VCF-style: chr19-50905366-C-A.
Other names: c.574C>A, p.Leu192Met (NM_001256849.1, NM_001308632.1, NM_001438210.1 and 3 more transcripts); short protein forms L192M.
Identifiers: ClinVar variation 4140993 (VCV004140993.1).

ClinVar aggregate classification (germline): Uncertain significance (1 of 4 stars; one submission).

Conditions:
Hereditary cancer-predisposing syndrome. Also called: Hereditary neoplastic syndrome; Neoplastic Syndromes, Hereditary; Tumor predisposition; Hereditary Cancer Syndrome. Identifiers: Orphanet 140162, MedGen C0027672, MeSH D009386, MONDO:0015356.

gnomAD v4.1: 1 of 1,612,772 alleles (0.000062%); highest among the groups gnomAD compares: Non-Finnish European, 0.000085%; no homozygotes.

Submission:

Ambry Genetics
Classification: Uncertain significance for Hereditary cancer-predisposing syndrome. Last evaluated: 2025-06-30. Review status: criteria provided, single submitter. Criteria: Ambry Variant Classification Scheme 2023. Collection method: clinical testing. Allele origin: germline.
Comment: The p.L192M variant (also known as c.574C>A), located in coding exon 4 of the POLD1 gene, results from a C to A substitution at nucleotide position 574. The leucine at codon 192 is replaced by methionine, an amino acid with highly similar properties. This amino acid position is conserved. In addition, this alteration is predicted to be tolerated by in silico analysis. Based on the available evidence, the clinical significance of this variant remains unclear.